The following is an entry in ClinVar:

NC_000016.10:g.(?_23621352)_(23636344_?)del

Gene: PALB2 (partner and localizer of BRCA2; minus strand). Cytogenetic location: 16p12.2.
Variant type: Deletion.
Identifiers: ClinVar variation 647474 (VCV000647474.8).

ClinVar aggregate classification (germline): Pathogenic (1 of 4 stars; one submission).

Conditions:
Familial cancer of breast. Also called: hereditary breast carcinoma; Hereditary breast cancer; BREAST CANCER, FAMILIAL. Identifiers: Orphanet 227535, MedGen C0346153, MONDO:0016419, OMIM 114480. Disease mechanism: loss of function.

Submission:

Labcorp Genetics (formerly Invitae), Labcorp
Classification: Pathogenic for Familial cancer of breast. Last evaluated: 2022-05-09. Review status: criteria provided, single submitter. Criteria: Invitae Variant Classification Sherloc (09022015). Collection method: clinical testing. Allele origin: germline.
Comment: This variant is a gross deletion of the genomic region encompassing exon(s) 4-10 of the PALB2 gene. This deletion is out-of-frame, and is expected to create a premature termination codon and result in an absent or disrupted protein product. Loss-of-function variants in PALB2 are known to be pathogenic (PMID: 17200668, 17200671, 17200672, 24136930, 25099575). This variant has not been reported in the literature in individuals affected with PALB2-related conditions. For these reasons, this variant has been classified as Pathogenic.

Literature cited by the submitters: PubMed 17200668; PubMed 17200671; PubMed 17200672; PubMed 24136930; PubMed 25099575.